The following is an entry in ClinVar:

ClinVar aggregate classification (germline): Uncertain significance (1 of 4 stars; one submission).

Allele frequency attached by ClinVar (database versions not stated): gnomAD exomes below 0.00001.
gnomAD v4.1: 1 of 1,613,544 alleles (0.000062%); highest among the groups gnomAD compares: South Asian, 0.0011%; no homozygotes.

Submission:

Labcorp Genetics (formerly Invitae), Labcorp
Classification: Uncertain significance. Last evaluated: 2023-08-23. Review status: criteria provided, single submitter. Criteria: Invitae Variant Classification Sherloc (09022015). Collection method: clinical testing. Allele origin: germline.
Comment: This variant is present in population databases (no rsID available, gnomAD 0.003%). This sequence change replaces cysteine, which is neutral and slightly polar, with arginine, which is basic and polar, at codon 3839 of the ANK3 protein (p.Cys3839Arg). This variant has not been reported in the literature in individuals affected with ANK3-related conditions. An algorithm developed to predict the effect of missense changes on protein structure and function (PolyPhen-2) suggests that this variant¬¨‚Ä†is likely to be tolerated. In summary, the available evidence is currently insufficient to determine the role of this variant in disease. Therefore, it has been classified as a Variant of Uncertain Significance.

NM_020987.5(ANK3):c.11515T>C (p.Cys3839Arg)

Gene: ANK3 (ankyrin 3; minus strand). Cytogenetic location: 10q21.2.
Variant type: single nucleotide variant.
Coding change: c.11515T>C on transcript NM_020987.5 (MANE Select); coding-DNA position 11515, T replaced by C.
Protein change: p.Cys3839Arg; replaces cysteine 3839 with arginine.
Molecular consequence: missense variant. On other transcripts: intron variant (4).
Genome position (GRCh38, 1-based): chr10:60,069,366, A>G on the plus strand (T>C on the coding strand, the complement: ANK3 is on the minus strand). VCF-style: chr10-60069366-A-G. GRCh37 (hg19) VCF-style: chr10-61829124-A-G.
Other names: c.4388-1357T>C (NM_001204403.2); c.4409-1357T>C (NM_001204404.2); c.4406-1357T>C (NM_001320874.2); c.1808-1357T>C (NM_001149.4); short protein forms C3839R.
Identifiers: ClinVar variation 2957986 (VCV002957986.2), dbSNP rs1156766019, ClinGen allele CA376996739.
Genomic context (GRCh38, chr10:60,069,366, plus strand): 5'-TCCCTATCAATTCCTTTGTTTTTTGCTGTTCTCCAAGAACTTTCTGCTTATCTCTTACAC[A>G]GTGTCCTTGTAGTACCCCTGTCTTTTTTCCTGATGAGACTTTCACTGGGTTATCTTTCTC-3'
Protein context (NP_066267.2, residues 3829-3849): GKKTGVLQGH[Cys3839Arg]VRDKQKVLGE